The following is an entry in ClinVar:

ClinVar aggregate classification (germline): Uncertain significance. Review status: criteria provided, multiple submitters, no conflicts (2 of 4 stars). 3 submissions from 3 submitters: Uncertain significance (3). Last evaluated 2024-07-29.

Allele frequency attached by ClinVar (database versions not stated): gnomAD exomes 0.00001; ExAC 0.00002; gnomAD 0.00002; TOPMed 0.00002; 1000 Genomes Project 30x 0.00016; 1000 Genomes Project 0.00020.
gnomAD v4.1: 19 of 1,613,804 alleles (0.0012%); highest among the groups gnomAD compares: Middle Eastern, 0.033%; no homozygotes.

Submissions (3):

Blueprint Genetics
Classification: Uncertain significance. Last evaluated: 2024-07-29. Review status: criteria provided, single submitter. Criteria: ACMG Guidelines, 2015. Collection method: clinical testing. Allele origin: germline.

Labcorp Genetics (formerly Invitae), Labcorp
Classification: Uncertain significance. Last evaluated: 2023-11-27. Review status: criteria provided, single submitter. Criteria: Invitae Variant Classification Sherloc (09022015). Collection method: clinical testing. Allele origin: germline.
Comment: This sequence change replaces asparagine, which is neutral and polar, with serine, which is neutral and polar, at codon 407 of the TBX15 protein (p.Asn407Ser). This variant is present in population databases (rs200180696, gnomAD 0.007%). This variant has not been reported in the literature in individuals affected with TBX15-related conditions. ClinVar contains an entry for this variant (Variation ID: 2074550). An algorithm developed to predict the effect of missense changes on protein structure and function (PolyPhen-2) suggests that this variant is likely to be disruptive. In summary, the available evidence is currently insufficient to determine the role of this variant in disease. Therefore, it has been classified as a Variant of Uncertain Significance.

CeGaT Center for Human Genetics Tuebingen
Classification: Uncertain significance. Last evaluated: 2022-05-01. Review status: criteria provided, single submitter. Criteria: CeGaT Center For Human Genetics Tuebingen Variant Classification Criteria Version 2. Collection method: clinical testing. Allele origin: germline. Affected: yes. Observed: 1 variant allele.

NM_001330677.2(TBX15):c.1538A>G (p.Asn513Ser)

Gene: TBX15 (T-box transcription factor 15; minus strand). Cytogenetic location: 1p12.
Variant type: single nucleotide variant.
Coding change: c.1538A>G on transcript NM_001330677.2 (MANE Select); coding-DNA position 1538, A replaced by G.
Protein change: p.Asn513Ser; replaces asparagine 513 with serine.
Molecular consequence: missense variant.
Genome position (GRCh38, 1-based): chr1:118,885,003, T>C on the plus strand (A>G on the coding strand, the complement: TBX15 is on the minus strand). VCF-style: chr1-118885003-T-C. GRCh37 (hg19) VCF-style: chr1-119427626-T-C.
Other names: c.1220A>G, p.Asn407Ser (NM_152380.3); short protein forms N407S, N513S.
Identifiers: ClinVar variation 2074550 (VCV002074550.27), dbSNP rs200180696, ClinGen allele CA1034823.